The following is an entry in ClinVar:

ClinVar aggregate classification (germline): Uncertain significance. Review status: criteria provided, multiple submitters, no conflicts (2 of 4 stars). 2 submissions from 2 submitters: Uncertain significance (2). Last evaluated 2024-08-19.

Conditions:
Developmental and epileptic encephalopathy, 30 (DEE30). Also called: Epileptic encephalopathy, early infantile, 30. Identifiers: MedGen C4225360, MONDO:0014595, OMIM 616341.
Inborn genetic diseases. Identifiers: MedGen C0950123, MeSH D030342.

Submissions (2):

Ambry Genetics
Classification: Uncertain significance for Inborn genetic diseases. Last evaluated: 2024-08-19. Review status: criteria provided, single submitter. Criteria: Ambry Variant Classification Scheme 2023. Collection method: clinical testing. Allele origin: germline.

Labcorp Genetics (formerly Invitae), Labcorp
Classification: Uncertain significance for Developmental and epileptic encephalopathy, 30. Last evaluated: 2024-07-22. Review status: criteria provided, single submitter. Criteria: Invitae Variant Classification Sherloc (09022015). Collection method: clinical testing. Allele origin: germline.
Comment: This sequence change replaces valine, which is neutral and non-polar, with phenylalanine, which is neutral and non-polar, at codon 75 of the SIK1 protein (p.Val75Phe). This variant is not present in population databases (gnomAD no frequency). This variant has not been reported in the literature in individuals affected with SIK1-related conditions. An algorithm developed to predict the effect of missense changes on protein structure and function (PolyPhen-2) suggests that this variant is likely to be disruptive. In summary, the available evidence is currently insufficient to determine the role of this variant in disease. Therefore, it has been classified as a Variant of Uncertain Significance.

NM_173354.5(SIK1):c.223G>T (p.Val75Phe)

Gene: SIK1 (salt inducible kinase 1; minus strand). Cytogenetic location: 21q22.3.
Variant type: single nucleotide variant.
Coding change: c.223G>T on transcript NM_173354.5 (MANE Select); coding-DNA position 223, G replaced by T.
Protein change: p.Val75Phe; replaces valine 75 with phenylalanine.
Molecular consequence: missense variant.
Genome position (GRCh38, 1-based): chr21:43,425,457, C>A on the plus strand (G>T on the coding strand, the complement: SIK1 is on the minus strand). VCF-style: chr21-43425457-C-A. GRCh37 (hg19) VCF-style: chr21-44845337-C-A.
Other names: short protein forms V75F.
Identifiers: ClinVar variation 3441923 (VCV003441923.3).